The following is an entry in ClinVar:

ClinVar aggregate classification (germline): Pathogenic (1 of 4 stars; one submission).

Allele frequency attached by ClinVar (database versions not stated): ExAC 0.00001.

Submission:

Illumina Laboratory Services, Illumina
Classification: Pathogenic. Last evaluated: 2022-10-20. Review status: criteria provided, single submitter. Criteria: ICSL CNVClassificationCriteria Aug2020. Collection method: clinical testing. Allele origin: unknown. Affected: yes.
Comment: The NBEAL2 c.5301+1G>A variant is a splice site variant that results in the substitution of a guanine within the consensus splice donor site with a adenine, which is predicted to result in splicing defects. This variant has been reported in a homozygous state in an individual with mild gray platelet syndrome (PMID: 21765412). This variant is reported in the Genome Aggregation Database in one allele at a frequency of 0.000009 in the European (non-Finnish) population (version 2.1.1). cDNA sequencing confirmed that the c.5301+1G>A variant results in alternative splicing 14-bp downstream of the canonical splice donor site and disrupts the reading frame of the subsequent exon (PMID: 21765412). This variant was identified in a homozygous state. Based on the available evidence, the c.5301+1G>A variant is classified as pathogenic for gray platelet syndrome.

Literature cited by the submitters: PubMed 21765412.

NM_015175.3(NBEAL2):c.5301+1G>A

Gene: NBEAL2 (neurobeachin like 2; plus strand). Cytogenetic location: 3p21.31.
Variant type: single nucleotide variant.
Coding change: c.5301+1G>A on transcript NM_015175.3 (MANE Select); the canonical splice donor site of the intron after coding-DNA position 5301, G replaced by A.
Molecular consequence: splice donor variant.
Genome position (GRCh38, 1-based): chr3:47,002,521, G>A. VCF-style: chr3-47002521-G-A. GRCh37 (hg19) VCF-style: chr3-47044011-G-A.
Other names: c.5199+1G>A (NM_001365116.2).
Identifiers: ClinVar variation 2429388 (VCV002429388.3), dbSNP rs764413796, ClinGen allele CA2361488.
Genomic context (GRCh38, chr3:47,002,521, plus strand): 5'-CTTATGAGCAGTGGGCAGCGGCGCCAGTGGGAGCGCGCCCAGAGTCGTCGGGCCTTCCAG[G>A]TGTGCCACCCGGGGTAAGGGATGGGAAACTGCTCCACACATGCACCCAGGAGATGACTGA-3'